The following is an entry in ClinVar:

NC_000016.9:g.(?_89334037)_(89383487_89484691)del

Gene: ANKRD11 (ankyrin repeat domain 11; minus strand). Cytogenetic location: 16q24.3.
Variant type: Deletion.
Identifiers: ClinVar variation 4852982 (VCV004852982.1).

ClinVar aggregate classification (germline): Pathogenic (1 of 4 stars; one submission).

Conditions:
KBG syndrome (KBGS). Also called: ANKRD11-Related KBG Syndrome. Identifiers: Orphanet 2332, MedGen C0220687, MONDO:0007846, OMIM 148050.

Submission:

Women's Health and Genetics/Laboratory Corporation of America, LabCorp
Classification: Pathogenic for KBG syndrome. Last evaluated: 2026-05-29. Review status: criteria provided, single submitter. Criteria: LabCorp Variant Classification Summary - May 2015. Collection method: clinical testing. Allele origin: germline.
Comment: Variant summary: The variant involves the deletion of exons 3-13 in the ANKRD11 gene. A presumed nomenclature of c.(-60+1_-59-1)_(*849_?)del has been designated for the purposes of this classification. This deletion includes the entire coding sequence of the gene. As the exact proximal and distal breakpoints are unknown, it may extend beyond the annotated region of the gene to include other flanking genes. Loss-of-function variants in this gene are known to be pathogenic. The variant was absent in 462883 control chromosomes in the gnomAD database (CNVs v4.1 dataset). Similar deletions have been observed in individuals affected with ANKRD11-related conditions (e.g. Peluso_2023). The following publication has been ascertained in the context of this evaluation (PMID: 37586838). ClinVar contains an entry for this variant (Variation ID: 583986). Based on the evidence outlined above, the variant was classified as pathogenic.

Literature cited by the submitters: PubMed 37586838.